The following is an entry in ClinVar:

NM_032816.5(CEP89):c.1936C>T (p.Arg646Cys)

Gene: CEP89 (centrosomal protein 89; minus strand). Cytogenetic location: 19q13.11.
Variant type: single nucleotide variant.
Coding change: c.1936C>T on transcript NM_032816.5 (MANE Select); coding-DNA position 1936, C replaced by T.
Protein change: p.Arg646Cys; replaces arginine 646 with cysteine.
Molecular consequence: missense variant.
Genome position (GRCh38, 1-based): chr19:32,887,781, G>A on the plus strand (C>T on the coding strand, the complement: CEP89 is on the minus strand). VCF-style: chr19-32887781-G-A. GRCh37 (hg19) VCF-style: chr19-33378687-G-A.
Other names: short protein forms R646C.
Identifiers: ClinVar variation 3716947 (VCV003716947.2).

ClinVar aggregate classification (germline): Uncertain significance (1 of 4 stars; one submission).

gnomAD v4.1: 45 of 1,613,038 alleles (0.0028%); highest among the groups gnomAD compares: South Asian, 0.019%; no homozygotes.

Submission:

Labcorp Genetics (formerly Invitae), Labcorp
Classification: Uncertain significance. Last evaluated: 2024-05-07. Review status: criteria provided, single submitter. Criteria: Invitae Variant Classification Sherloc (09022015). Collection method: clinical testing. Allele origin: germline.
Comment: This sequence change replaces arginine, which is basic and polar, with cysteine, which is neutral and slightly polar, at codon 646 of the CEP89 protein (p.Arg646Cys). This variant is present in population databases (rs759939013, gnomAD 0.007%). This variant has not been reported in the literature in individuals affected with CEP89-related conditions. An algorithm developed to predict the effect of missense changes on protein structure and function (PolyPhen-2) suggests that this variant is likely to be disruptive. In summary, the available evidence is currently insufficient to determine the role of this variant in disease. Therefore, it has been classified as a Variant of Uncertain Significance.